The following is an entry in ClinVar:

NM_205836.3(FBXO38):c.2131A>C (p.Thr711Pro)

Gene: FBXO38 (F-box protein 38; plus strand). Cytogenetic location: 5q32.
Variant type: single nucleotide variant.
Coding change: c.2131A>C on transcript NM_205836.3 (MANE Select); coding-DNA position 2131, A replaced by C.
Protein change: p.Thr711Pro; replaces threonine 711 with proline.
Molecular consequence: missense variant. On other transcripts: intron variant (1).
Genome position (GRCh38, 1-based): chr5:148,427,425, A>C. VCF-style: chr5-148427425-A-C. GRCh37 (hg19) VCF-style: chr5-147806988-A-C.
Other names: c.2131A>C, p.Thr711Pro (NM_030793.5); c.1918+1724A>C (NM_001271723.2); short protein forms T711P.
Identifiers: ClinVar variation 2192072 (VCV002192072.4), dbSNP rs1406784524, ClinGen allele CA361656919.

ClinVar aggregate classification (germline): Uncertain significance (1 of 4 stars; one submission).

Conditions:
Distal hereditary motor neuropathy type 2. Identifiers: Orphanet 139525, MedGen C3711384, MeSH C580044, MONDO:0015352.

Allele frequency attached by ClinVar (database versions not stated): gnomAD exomes below 0.00001.
gnomAD v4.1: 1 of 1,614,232 alleles (0.000062%); highest among the groups gnomAD compares: Non-Finnish European, 0.000085%; no homozygotes.

Submission:

Labcorp Genetics (formerly Invitae), Labcorp
Classification: Uncertain significance for Distal hereditary motor neuropathy type 2. Last evaluated: 2022-10-04. Review status: criteria provided, single submitter. Criteria: Invitae Variant Classification Sherloc (09022015). Collection method: clinical testing. Allele origin: germline.
Comment: This sequence change replaces threonine, which is neutral and polar, with proline, which is neutral and non-polar, at codon 711 of the FBXO38 protein (p.Thr711Pro). This variant is not present in population databases (gnomAD no frequency). This variant has not been reported in the literature in individuals affected with FBXO38-related conditions. Advanced modeling of protein sequence and biophysical properties (such as structural, functional, and spatial information, amino acid conservation, physicochemical variation, residue mobility, and thermodynamic stability) performed at Invitae indicates that this missense variant is not expected to disrupt FBXO38 protein function. In summary, the available evidence is currently insufficient to determine the role of this variant in disease. Therefore, it has been classified as a Variant of Uncertain Significance.